The following is an entry in ClinVar:

NC_000017.10:g.(?_41196353)_(41219732_?)dup

Gene: BRCA1 (BRCA1 DNA repair associated; minus strand). Cytogenetic location: 17q21.31.
Variant type: Duplication.
Identifiers: ClinVar variation 2425721 (VCV002425721.7).

ClinVar aggregate classification (germline): Uncertain significance (1 of 4 stars; one submission).

Conditions:
Hereditary breast ovarian cancer syndrome. Also called: Hereditary breast and ovarian cancer syndrome (HBOC); Breast and ovarian cancer; Hereditary breast and/or ovarian cancer syndrome; Hereditary breast and ovarian cancer; BRCA1- and BRCA2-Associated Hereditary Breast and Ovarian Cancer; Hereditary breast and ovarian cancer syndrome. Identifiers: Orphanet 145, MedGen C0677776, MeSH D061325, MONDO:0003582. Disease mechanism: loss of function.

Submission:

Labcorp Genetics (formerly Invitae), Labcorp
Classification: Uncertain significance for Hereditary breast ovarian cancer syndrome. Last evaluated: 2022-08-23. Review status: criteria provided, single submitter. Criteria: Invitae Variant Classification Sherloc (09022015). Collection method: clinical testing. Allele origin: germline.
Comment: Experimental studies and prediction algorithms are not available or were not evaluated, and the functional significance of this variant is currently unknown. In summary, the available evidence is currently insufficient to determine the role of this variant in disease. Therefore, it has been classified as a Variant of Uncertain Significance. This variant has not been reported in the literature in individuals affected with BRCA1-related conditions. This variant results in a copy number gain of the genomic region encompassing exon(s) 16-23 of the BRCA1 gene. This region includes the termination codon of the gene. This copy number gain extends beyond the assayed region for this gene and therefore may encompass additional genes. As the precise location of this event is unknown, it may be in tandem or it may be located elsewhere in the genome.